The following is an entry in ClinVar:

ClinVar aggregate classification (germline): Uncertain significance (1 of 4 stars; one submission).

Conditions:
ATOH1-related disorder. Also called: ATOH1-related condition.

gnomAD v4.1: 1 of 1,569,246 alleles (0.000064%); no homozygotes.

Submission:

PreventionGenetics, part of Exact Sciences
Classification: Uncertain significance for ATOH1-related condition. Last evaluated: 2026-07-08. Review status: criteria provided, single submitter. Criteria: ACMG Guidelines, 2015. Collection method: clinical testing. Allele origin: germline.
Comment: The ATOH1 c.793C>T variant is predicted to result in the amino acid substitution p.Arg265Trp. To our knowledge, this variant has not been reported in the literature or in gnomAD, indicating that it is rare. At this time, the clinical significance of this variant is uncertain due to the absence of conclusive functional and genetic evidence.

NM_005172.2(ATOH1):c.793C>T (p.Arg265Trp)

Gene: ATOH1 (atonal bHLH transcription factor 1; plus strand). Cytogenetic location: 4q22.2.
Variant type: single nucleotide variant.
Coding change: c.793C>T on transcript NM_005172.2 (MANE Select); coding-DNA position 793, C replaced by T.
Protein change: p.Arg265Trp; replaces arginine 265 with tryptophan.
Molecular consequence: missense variant.
Genome position (GRCh38, 1-based): chr4:93,829,719, C>T. VCF-style: chr4-93829719-C-T. GRCh37 (hg19) VCF-style: chr4-94750870-C-T.
Other names: short protein forms R265W.
Identifiers: ClinVar variation 4984409 (VCV004984409.1).
Genomic context (GRCh38, chr4:93,829,719, plus strand): 5'-GAAGGGGGCGCGGGCAACGCGACCGCAGCTGGGGCTCAGCAGGCTTCCGGAGGGAGCCAG[C>T]GGCCGACCCCGCCCGGGAGTTGCCGGACTCGCTTCTCAGCCCCAGCTTCTGCGGGAGGGT-3'
Protein context (NP_005163.1, residues 255-275): GAQQASGGSQ[Arg265Trp]PTPPGSCRTR